The following is an entry in ClinVar:

ClinVar aggregate classification (germline): Likely pathogenic. Review status: reviewed by expert panel (3 of 4 stars). 2 submissions from 2 submitters: Likely pathogenic (1). 1 of the submissions does not count toward it. Last evaluated 2025-02-28.

Conditions:
Monogenic diabetes. Identifiers: Orphanet 183625, MedGen C3888631, MONDO:0015967.

Submissions (2):

ClinGen Monogenic Diabetes Variant Curation Expert Panel
Classification: Likely pathogenic for Monogenic diabetes. Last evaluated: 2025-02-28. Review status: reviewed by expert panel. Criteria: ClinGen Diabetes ACMG Specifications HNF1A V2.1.0. Collection method: curation. Allele origin: germline. Inheritance: Autosomal dominant inheritance.
Comment: The c.981del variant in the HNF1 homeobox A gene, HNF1A, causes a frameshift in the protein at codon 328 in (NM_000545.8), adding 14 novel amino acids before encountering a stop codon (p.(Ser328ValfsTer14)). This variant, located in biologically-relevant exon 5 of 10 , is predicted to lead to nonsense mediated decay in a gene in which loss-of-function is an established disease mechanism (PVS1; PMID: 23348805). This variant is absent from gnomAD v2.1.1 and v4.1 (PM2_Supporting). In summary, c.981del meets the criteria to be classified as likely pathogenic for monogenic diabetes. ACMG/AMP criteria applied, as specified by the ClinGen MDEP (specification version 2.1.0, approved 08/11/2023): PVS1, PM2_Supporting.

Labcorp Genetics (formerly Invitae), Labcorp
Classification: Pathogenic. Last evaluated: 2024-11-16. Review status: criteria provided, single submitter. Criteria: Invitae Variant Classification Sherloc (09022015). Collection method: clinical testing. Allele origin: germline. Not counted in ClinVar's aggregate classification.
Comment: This sequence change creates a premature translational stop signal (p.Ser328Valfs*14) in the HNF1A gene. It is expected to result in an absent or disrupted protein product. Loss-of-function variants in HNF1A are known to be pathogenic (PMID: 15928245, 18003757). This variant is not present in population databases (gnomAD no frequency). This premature translational stop signal has been observed in individual(s) with maturity-onset diabetes of the young (PMID: 23348805). ClinVar contains an entry for this variant (Variation ID: 2010905). For these reasons, this variant has been classified as Pathogenic.

Literature cited by the submitters: PubMed 23348805 (cited by ClinGen Monogenic Diabetes Variant Curation Expert Panel and Labcorp Genetics (formerly Invitae), Labcorp); PubMed 15928245 (cited by Labcorp Genetics (formerly Invitae), Labcorp); PubMed 18003757 (cited by Labcorp Genetics (formerly Invitae), Labcorp).

NM_000545.8(HNF1A):c.981del (p.Ser328fs)

Gene: HNF1A (HNF1 homeobox A; plus strand). Cytogenetic location: 12q24.31.
Variant type: Deletion.
Coding change: c.981del on transcript NM_000545.8 (MANE Select); coding-DNA position 981, one base deleted (C; older notation c.981delC).
Protein change: p.Ser328fs; shifts the reading frame from serine 328.
Molecular consequence: frameshift variant.
Genome position (GRCh38, 1-based): chr12:120,996,287, C deleted; the last of 2 consecutive C bases (chr12:120,996,286-120,996,287); deleting either gives the same sequence. VCF-style (leftmost placement, unchanged base first): chr12-120996285-AC-A. GRCh37 (hg19) VCF-style: chr12-121434088-AC-A.
Other names: NM_000545.8(HNF1A):c.981del; p.Ser328fs; c.981del, p.Ser328fs (NM_001306179.2); c.981delC, p.Ser328Valfs (NM_001406915.1); short protein forms S328fs.
Identifiers: ClinVar variation 2010905 (VCV002010905.5), dbSNP rs2500001387, ClinGen allele CA2580085936.